The following is an entry in ClinVar:

ClinVar aggregate classification (germline): Uncertain significance. Review status: criteria provided, multiple submitters, no conflicts (2 of 4 stars). 2 submissions from 2 submitters: Uncertain significance (2). Last evaluated 2026-01-05.

gnomAD v4.1: 89 of 1,614,142 alleles (0.0055%); highest among the groups gnomAD compares: South Asian, 0.094%; no homozygotes.

Submissions (2):

Labcorp Genetics (formerly Invitae), Labcorp
Classification: Uncertain significance. Last evaluated: 2026-01-05. Review status: criteria provided, single submitter. Criteria: Invitae Variant Classification Sherloc (09022015). Collection method: clinical testing. Allele origin: germline.
Comment: This sequence change replaces threonine, which is neutral and polar, with asparagine, which is neutral and polar, at codon 1542 of the FAT2 protein (p.Thr1542Asn). This variant is present in population databases (rs574495332, gnomAD 0.1%), and has an allele count higher than expected for a pathogenic variant. This variant has not been reported in the literature in individuals affected with FAT2-related conditions. ClinVar contains an entry for this variant (Variation ID: 4023142). Invitae Evidence Modeling of protein sequence and biophysical properties (such as structural, functional, and spatial information, amino acid conservation, physicochemical variation, residue mobility, and thermodynamic stability) indicates that this missense variant is not expected to disrupt FAT2 protein function with a negative predictive value of 80%. In summary, the available evidence is currently insufficient to determine the role of this variant in disease. Therefore, it has been classified as a Variant of Uncertain Significance.

Ambry Genetics
Classification: Uncertain significance. Last evaluated: 2025-04-10. Review status: criteria provided, single submitter. Criteria: Ambry Variant Classification Scheme 2023. Collection method: clinical testing. Allele origin: germline.

NM_001447.3(FAT2):c.4625C>A (p.Thr1542Asn)

Genes: FAT2 (FAT atypical cadherin 2; minus strand), SLC36A1 (solute carrier family 36 member 1; plus strand). Cytogenetic location: 5q33.1.
Variant type: single nucleotide variant.
Coding change: c.4625C>A on transcript NM_001447.3 (MANE Select); coding-DNA position 4625, C replaced by A.
Protein change: p.Thr1542Asn; replaces threonine 1542 with asparagine.
Molecular consequence: missense variant.
Genome position (GRCh38, 1-based): chr5:151,549,459, G>T on the plus strand (C>A on the coding strand, the complement: FAT2 is on the minus strand). VCF-style: chr5-151549459-G-T. GRCh37 (hg19) VCF-style: chr5-150929020-G-T.
Other names: short protein forms T1542N.
Identifiers: ClinVar variation 4023142 (VCV004023142.2).